The following is an entry in ClinVar:

NM_005228.5(EGFR):c.2634C>G (p.Ile878Met)

Gene: EGFR (epidermal growth factor receptor; plus strand). Cytogenetic location: 7p11.2.
Variant type: single nucleotide variant.
Coding change: c.2634C>G on transcript NM_005228.5 (MANE Select); coding-DNA position 2634, C replaced by G.
Protein change: p.Ile878Met; replaces isoleucine 878 with methionine.
Molecular consequence: missense variant.
Genome position (GRCh38, 1-based): chr7:55,192,774, C>G. VCF-style: chr7-55192774-C-G. GRCh37 (hg19) VCF-style: chr7-55260467-C-G.
Other names: c.2499C>G, p.Ile833Met (NM_001346897.2, NM_001346899.2); c.2634C>G, p.Ile878Met (NM_001346898.2); c.2475C>G, p.Ile825Met (NM_001346900.2); c.1833C>G, p.Ile611Met (NM_001346941.2); short protein forms I833M, I878M, I611M, I825M.
Identifiers: ClinVar variation 5035825 (VCV005035825.1).
Genomic context (GRCh38, chr7:55,192,774, plus strand): 5'-AACAGAGGGAAACTAATAGTTGTCTCACTGCCTCATCTCTCACCATCCCAAGGTGCCTAT[C>G]AAGTGGATGGCATTGGAATCAATTTTACACAGAATCTATACCCACCAGAGTGATGTCTGG-3'
Protein context (NP_005219.2, residues 868-888): EYHAEGGKVP[Ile878Met]KWMALESILH

ClinVar aggregate classification (germline): Uncertain significance (1 of 4 stars; one submission).

Conditions:
Hereditary cancer-predisposing syndrome. Also called: Hereditary Cancer Syndrome; Neoplastic Syndromes, Hereditary; Tumor predisposition; Hereditary neoplastic syndrome. Identifiers: Orphanet 140162, MedGen C0027672, MeSH D009386, MONDO:0015356.

Submission:

Ambry Genetics
Classification: Uncertain significance for Hereditary cancer-predisposing syndrome. Last evaluated: 2026-08-19. Review status: criteria provided, single submitter. Criteria: Ambry Variant Classification Scheme 2023. Collection method: clinical testing. Allele origin: germline.
Comment: The p.I878M variant (also known as c.2634C>G), located in coding exon 22 of the EGFR gene, results from a C to G substitution at nucleotide position 2634. The isoleucine at codon 878 is replaced by methionine, an amino acid with highly similar properties. This amino acid position is highly conserved in available vertebrate species. In addition, this alteration is predicted to be deleterious by in silico analysis. Based on the available evidence, the clinical significance of this variant remains unclear.